The following is an entry in ClinVar:

NM_002085.5(GPX4):c.171C>T (p.Asp57=)

Gene: GPX4 (glutathione peroxidase 4; plus strand). Cytogenetic location: 19p13.3.
Variant type: single nucleotide variant.
Coding change: c.171C>T on transcript NM_002085.5 (MANE Select); coding-DNA position 171, C replaced by T.
Protein change: p.Asp57=; no amino-acid change (aspartic acid 57 retained).
Molecular consequence: synonymous variant.
Genome position (GRCh38, 1-based): chr19:1,105,272, C>T. VCF-style: chr19-1105272-C-T. GRCh37 (hg19) VCF-style: chr19-1105271-C-T.
Other names: c.171C>T, p.Asp57= (NM_001039847.3); c.282C>T, p.Asp94= (NM_001039848.4); c.90C>T, p.Asp30= (NM_001367832.1).
Identifiers: ClinVar variation 3699982 (VCV003699982.2).
Genomic context (GRCh38, chr19:1,105,272, plus strand): 5'-TGCGCGCTCCATGCACGAGTTTTCCGCCAAGGACATCGACGGGCACATGGTTAACCTGGA[C>T]AAGTACCGGTGGGCGCTCGCCTGGGGTGGGGCGCGGGGTCGGGCCCTGGGAGGGGGCCGT-3'
Protein context (NP_002076.2, residues 47-67): KDIDGHMVNL[Asp57=]KYRGFVCIVT

ClinVar aggregate classification (germline): Uncertain significance (1 of 4 stars; one submission).

gnomAD v4.1: 4 of 1,612,932 alleles (0.00025%); highest among the groups gnomAD compares: Non-Finnish European, 0.00034%; no homozygotes.

Submission:

Labcorp Genetics (formerly Invitae), Labcorp
Classification: Uncertain significance. Last evaluated: 2025-10-02. Review status: criteria provided, single submitter. Criteria: Invitae Variant Classification Sherloc (09022015). Collection method: clinical testing. Allele origin: germline.
Comment: This sequence change affects codon 94 of the GPX4 mRNA. It is a 'silent' change, meaning that it does not change the encoded amino acid sequence of the GPX4 protein. This variant is present in population databases (no rsID available, gnomAD 0.007%). This variant has not been reported in the literature in individuals affected with GPX4-related conditions. ClinVar contains an entry for this variant (Variation ID: 3699982). Algorithms developed to predict the effect of sequence changes on RNA splicing suggest that this variant may disrupt the consensus splice site. In summary, the available evidence is currently insufficient to determine the role of this variant in disease. Therefore, it has been classified as a Variant of Uncertain Significance.